The following is an entry in ClinVar:

NM_004438.5(EPHA4):c.1775-3C>T

Gene: EPHA4 (EPH receptor A4; minus strand). Cytogenetic location: 2q36.1.
Variant type: single nucleotide variant.
Coding change: c.1775-3C>T on transcript NM_004438.5 (MANE Select); 3 bases into the intron before coding-DNA position 1775, C replaced by T.
Molecular consequence: intron variant.
Genome position (GRCh38, 1-based): chr2:221,443,609, G>A on the plus strand (C>T on the coding strand, the complement: EPHA4 is on the minus strand). VCF-style: chr2-221443609-G-A. GRCh37 (hg19) VCF-style: chr2-222308329-G-A.
Other names: c.1775-3C>T (NM_001304536.2, NM_001363748.2); c.1622-3C>T (NM_001304537.2).
Identifiers: ClinVar variation 2906028 (VCV002906028.3), dbSNP rs1449965656, ClinGen allele CA765148004.

ClinVar aggregate classification (germline): Uncertain significance (1 of 4 stars; one submission).

Allele frequency attached by ClinVar (database versions not stated): gnomAD 0.00001; TOPMed 0.00001.
gnomAD v4.1: 12 of 1,605,200 alleles (0.00075%); highest among the groups gnomAD compares: Non-Finnish European, 0.001%; no homozygotes.

Submission:

Labcorp Genetics (formerly Invitae), Labcorp
Classification: Uncertain significance. Last evaluated: 2023-01-24. Review status: criteria provided, single submitter. Criteria: Invitae Variant Classification Sherloc (09022015). Collection method: clinical testing. Allele origin: germline.
Comment: This sequence change falls in intron 9 of the EPHA4 gene. It does not directly change the encoded amino acid sequence of the EPHA4 protein. It affects a nucleotide within the consensus splice site. This variant is not present in population databases (gnomAD no frequency). In summary, the available evidence is currently insufficient to determine the role of this variant in disease. Therefore, it has been classified as a Variant of Uncertain Significance. Variants that disrupt the consensus splice site are a relatively common cause of aberrant splicing (PMID: 17576681, 9536098). Algorithms developed to predict the effect of sequence changes on RNA splicing suggest that this variant is not likely to affect RNA splicing. This variant has not been reported in the literature in individuals affected with EPHA4-related conditions.

Literature cited by the submitters: PubMed 17576681; PubMed 9536098.